The following is an entry in ClinVar:

NM_000553.6(WRN):c.565C>G (p.Leu189Val)

Gene: WRN (WRN RecQ like helicase; plus strand). Cytogenetic location: 8p12.
Variant type: single nucleotide variant.
Coding change: c.565C>G on transcript NM_000553.6 (MANE Select); coding-DNA position 565, C replaced by G.
Protein change: p.Leu189Val; replaces leucine 189 with valine.
Molecular consequence: missense variant.
Genome position (GRCh38, 1-based): chr8:31,067,093, C>G. VCF-style: chr8-31067093-C-G. GRCh37 (hg19) VCF-style: chr8-30924609-C-G.
Other names: short protein forms L189V.
Identifiers: ClinVar variation 567046 (VCV000567046.6), dbSNP rs1377471795, ClinGen allele CA370916068.

ClinVar aggregate classification (germline): Uncertain significance (1 of 4 stars; one submission).

Conditions:
Werner syndrome (WRN). Identifiers: Orphanet 902, MedGen C0043119, MONDO:0010196, OMIM 277700.

Allele frequency attached by ClinVar (database versions not stated): gnomAD exomes below 0.00001; gnomAD 0.00002; TOPMed 0.00002.
gnomAD v4.1: 5 of 1,613,854 alleles (0.00031%); highest among the groups gnomAD compares: African/African-American, 0.0053%; no homozygotes.

Submission:

Labcorp Genetics (formerly Invitae), Labcorp
Classification: Uncertain significance for Werner syndrome. Last evaluated: 2025-07-30. Review status: criteria provided, single submitter. Criteria: Invitae Variant Classification Sherloc (09022015). Collection method: clinical testing. Allele origin: germline.
Comment: This sequence change replaces leucine, which is neutral and non-polar, with valine, which is neutral and non-polar, at codon 189 of the WRN protein (p.Leu189Val). This variant is present in population databases (no rsID available, gnomAD 0.007%). This variant has not been reported in the literature in individuals affected with WRN-related conditions. ClinVar contains an entry for this variant (Variation ID: 567046). An algorithm developed to predict the effect of missense changes on protein structure and function (PolyPhen-2) suggests that this variant is likely to be disruptive. In summary, the available evidence is currently insufficient to determine the role of this variant in disease. Therefore, it has been classified as a Variant of Uncertain Significance.